The following is an entry in ClinVar:

ClinVar aggregate classification (germline): Likely pathogenic (1 of 4 stars; one submission).

Conditions:
Neurodevelopmental disorder. Identifiers: MedGen C1535926, MeSH D065886, MONDO:0700092.

Submission:

Victorian Clinical Genetics Services, Murdoch Childrens Research Institute
Classification: Likely pathogenic for Neurodevelopmental disorder. Last evaluated: 2021-05-06. Review status: criteria provided, single submitter. Criteria: ACMG Guidelines, 2015. Collection method: clinical testing. Allele origin: germline. Inheritance: Autosomal dominant inheritance. Affected: yes.
Comment: Based on the classification scheme VCGS_Germline_v1.3.3, this variant is classified as Likely pathogenic. Following criteria are met: 0102 - Loss of function is a known mechanism of disease in this gene and is associated with a neurodevelopmental disorder (PMID: 31230721). (I) 0107 - This gene is associated with autosomal dominant disease. (I) 0200 - Variant is predicted to result in a missense amino acid change from glutamic acid to alanine. (I) 0251 - This variant is heterozygous. (I) 0301 - Variant is absent from gnomAD (both v2 and v3). (SP) 0501 - Missense variant consistently predicted to be damaging by multiple in silico tools or highly conserved with a major amino acid change. (SP) 0603 - Missense variant in a region that is highly intolerant to missense variation (high constraint region in DECIPHER). (SP) 0705 - No comparable missense variants have previous evidence for pathogenicity. (I) 0807 - This variant has no previous evidence of pathogenicity. (I) 0905 - No published segregation evidence has been identified for this variant. (I) 1007 - No published functional evidence has been identified for this variant. (SP) Legend: (SP) - Supporting pathogenic, (I) - Information, (SB) - Supporting benign

Literature cited by the submitters: PubMed 31230721.

NM_020791.4(TAOK1):c.227A>C (p.Glu76Ala)

Gene: TAOK1 (TAO kinase 1; plus strand). Cytogenetic location: 17q11.2.
Variant type: single nucleotide variant.
Coding change: c.227A>C on transcript NM_020791.4 (MANE Select); coding-DNA position 227, A replaced by C.
Protein change: p.Glu76Ala; replaces glutamic acid 76 with alanine.
Molecular consequence: missense variant.
Genome position (GRCh38, 1-based): chr17:29,475,692, A>C. VCF-style: chr17-29475692-A-C. GRCh37 (hg19) VCF-style: chr17-27802710-A-C.
Other names: c.227A>C, p.Glu76Ala (NM_025142.1); short protein forms E76A.
Identifiers: ClinVar variation 1805844 (VCV001805844.1), dbSNP rs2508195156, ClinGen allele CA399188299.